The following is an entry in ClinVar:

ClinVar aggregate classification (germline): Uncertain significance (1 of 4 stars; one submission).

Conditions:
Propionic acidemia (PROP). Also called: HYPERGLYCINEMIA WITH KETOACIDOSIS AND LEUKOPENIA; KETOTIC HYPERGLYCINEMIA; GLYCINEMIA, KETOTIC. Identifiers: Orphanet 35, MedGen C0268579, MONDO:0011628, OMIM 606054, HP:0003571.

Submission:

Labcorp Genetics (formerly Invitae), Labcorp
Classification: Uncertain significance for Propionic acidemia. Last evaluated: 2021-08-27. Review status: criteria provided, single submitter. Criteria: Invitae Variant Classification Sherloc (09022015). Collection method: clinical testing. Allele origin: germline.
Comment: This sequence change replaces valine with isoleucine at codon 217 of the PCCB protein (p.Val217Ile). The valine residue is highly conserved and there is a small physicochemical difference between valine and isoleucine. This variant is not present in population databases (ExAC no frequency). This variant has not been reported in the literature in individuals affected with PCCB-related conditions. Advanced modeling of protein sequence and biophysical properties (such as structural, functional, and spatial information, amino acid conservation, physicochemical variation, residue mobility, and thermodynamic stability) performed at Invitae indicates that this missense variant is expected to disrupt PCCB protein function. In summary, the available evidence is currently insufficient to determine the role of this variant in disease. Therefore, it has been classified as a Variant of Uncertain Significance.

NM_000532.5(PCCB):c.649G>A (p.Val217Ile)

Gene: PCCB (propionyl-CoA carboxylase subunit beta; plus strand). Cytogenetic location: 3q22.3.
Variant type: single nucleotide variant.
Coding change: c.649G>A on transcript NM_000532.5 (MANE Select); coding-DNA position 649, G replaced by A.
Protein change: p.Val217Ile; replaces valine 217 with isoleucine.
Molecular consequence: missense variant.
Genome position (GRCh38, 1-based): chr3:136,283,942, G>A. VCF-style: chr3-136283942-G-A. GRCh37 (hg19) VCF-style: chr3-136002784-G-A.
Other names: c.709G>A, p.Val237Ile (NM_001178014.2); short protein forms V217I, V237I.
Identifiers: ClinVar variation 1354491 (VCV001354491.5), dbSNP rs2108182134, ClinGen allele CA354641975.
Genomic context (GRCh38, chr3:136,283,942, plus strand): 5'-ATGGGCCCATGTGCTGGTGGGGCCGTCTACTCCCCAGCCCTAACAGACTTCACGTTCATG[G>A]TAAAGGTAAGAAAGAAGGGCCTGTTTTTGGTGCCGTTTGAGATTTGTGCAGTTCCTTACC-3'
Protein context (NP_000523.2, residues 207-227): SPALTDFTFM[Val217Ile]KDTSYLFITG